The following is an entry in ClinVar:

NM_001130438.3(SPTAN1):c.6185G>A (p.Arg2062Gln)

Gene: SPTAN1 (spectrin alpha, non-erythrocytic 1; plus strand). Cytogenetic location: 9q34.11.
Variant type: single nucleotide variant.
Coding change: c.6185G>A on transcript NM_001130438.3 (MANE Select); coding-DNA position 6185, G replaced by A.
Protein change: p.Arg2062Gln; replaces arginine 2062 with glutamine.
Molecular consequence: missense variant.
Genome position (GRCh38, 1-based): chr9:128,625,884, G>A. VCF-style: chr9-128625884-G-A. GRCh37 (hg19) VCF-style: chr9-131388163-G-A.
Other names: c.6110G>A, p.Arg2037Gln (NM_001195532.2); c.6185G>A, p.Arg2062Gln (NM_001363759.2, NM_001375310.1, NM_001375311.2 and 1 more transcripts); c.6125G>A, p.Arg2042Gln (NM_001363765.2, NM_001375314.2); c.6221G>A, p.Arg2074Gln (NM_001375312.2, NM_001375318.1); c.6170G>A, p.Arg2057Gln (NM_003127.4); short protein forms R2037Q, R2042Q, R2057Q, R2062Q, R2074Q.
Identifiers: ClinVar variation 3903205 (VCV003903205.2).

ClinVar aggregate classification (germline): Uncertain significance. Review status: criteria provided, multiple submitters, no conflicts (2 of 4 stars). 2 submissions from 2 submitters: Uncertain significance (2). Last evaluated 2025-06-27.

Conditions:
Early-infantile DEE. Also called: Early infantile epileptic encephalopathy with suppression bursts; Ohtahara syndrome; Early infantile epileptic encephalopathy. Identifiers: Orphanet 1934, MedGen C0393706, MONDO:0800491.

gnomAD v4.1: 1 of 1,614,152 alleles (0.000062%); highest among the groups gnomAD compares: Non-Finnish European, 0.000085%; no homozygotes.

Submissions (2):

Labcorp Genetics (formerly Invitae), Labcorp
Classification: Uncertain significance for Early-infantile DEE. Last evaluated: 2025-06-27. Review status: criteria provided, single submitter. Criteria: Invitae Variant Classification Sherloc (09022015). Collection method: clinical testing. Allele origin: germline.
Comment: This sequence change replaces arginine, which is basic and polar, with glutamine, which is neutral and polar, at codon 2062 of the SPTAN1 protein (p.Arg2062Gln). This variant is not present in population databases (gnomAD no frequency). This variant has not been reported in the literature in individuals affected with SPTAN1-related conditions. Invitae Evidence Modeling of protein sequence and biophysical properties (such as structural, functional, and spatial information, amino acid conservation, physicochemical variation, residue mobility, and thermodynamic stability) has been performed for this missense variant. However, the output from this modeling did not meet the statistical confidence thresholds required to predict the impact of this variant on SPTAN1 protein function. This variant disrupts the p.Arg2062 amino acid residue in SPTAN1. Other variant(s) that disrupt this residue have been determined to be pathogenic (PMID: 29050398; internal data). This suggests that this residue is clinically significant, and that variants that disrupt this residue are likely to be disease-causing. In summary, the available evidence is currently insufficient to determine the role of this variant in disease. Therefore, it has been classified as a Variant of Uncertain Significance.

GeneDx
Classification: Uncertain significance. Last evaluated: 2024-12-10. Review status: criteria provided, single submitter. Criteria: GeneDx Variant Classification Process June 2021. Collection method: clinical testing. Allele origin: germline. Affected: yes.
Comment: Not observed at significant frequency in large population cohorts (gnomAD); In silico analysis supports that this missense variant has a deleterious effect on protein structure/function; Has not been previously published as pathogenic or benign to our knowledge

Literature cited by the submitters: PubMed 29050398 (cited by Labcorp Genetics (formerly Invitae), Labcorp).